The following is an entry in ClinVar:

NM_015213.4(DENND5A):c.2543G>T (p.Arg848Leu)

Gene: DENND5A (DENN domain containing 5A; minus strand). Cytogenetic location: 11p15.4.
Variant type: single nucleotide variant.
Coding change: c.2543G>T on transcript NM_015213.4 (MANE Select); coding-DNA position 2543, G replaced by T.
Protein change: p.Arg848Leu; replaces arginine 848 with leucine.
Molecular consequence: missense variant. On other transcripts: non-coding transcript variant (1).
Genome position (GRCh38, 1-based): chr11:9,150,743, C>A on the plus strand (G>T on the coding strand, the complement: DENND5A is on the minus strand). VCF-style: chr11-9150743-C-A. GRCh37 (hg19) VCF-style: chr11-9172290-C-A.
Other names: c.2543G>T, p.Arg848Leu (NM_001243254.2, NM_001348748.1); c.2471G>T, p.Arg824Leu (NM_001348749.2); c.2255G>T, p.Arg752Leu (NM_001348750.2); short protein forms R848L, R824L, R752L.
Identifiers: ClinVar variation 1907241 (VCV001907241.2), dbSNP rs767542743, ClinGen allele CA5877295.

ClinVar aggregate classification (germline): Uncertain significance (1 of 4 stars; one submission).

gnomAD v4.1: 20 of 1,613,030 alleles (0.0012%); highest among the groups gnomAD compares: South Asian, 0.02%; no homozygotes.

Submission:

Labcorp Genetics (formerly Invitae), Labcorp
Classification: Uncertain significance. Last evaluated: 2021-12-25. Review status: criteria provided, single submitter. Criteria: Invitae Variant Classification Sherloc (09022015). Collection method: clinical testing. Allele origin: germline.
Comment: This sequence change replaces arginine, which is basic and polar, with leucine, which is neutral and non-polar, at codon 848 of the DENND5A protein (p.Arg848Leu). This variant is present in population databases (rs767542743, gnomAD 0.007%). This variant has not been reported in the literature in individuals affected with DENND5A-related conditions. Algorithms developed to predict the effect of missense changes on protein structure and function are either unavailable or do not agree on the potential impact of this missense change (SIFT: "Tolerated"; PolyPhen-2: "Possibly Damaging"; Align-GVGD: "Class C0"). In summary, the available evidence is currently insufficient to determine the role of this variant in disease. Therefore, it has been classified as a Variant of Uncertain Significance.